The following is an entry in ClinVar:

ClinVar aggregate classification (germline): Uncertain significance (1 of 4 stars; one submission).

Submission:

GeneDx
Classification: Uncertain significance. Last evaluated: 2023-06-03. Review status: criteria provided, single submitter. Criteria: GeneDx Variant Classification Process June 2021. Collection method: clinical testing. Allele origin: germline. Affected: yes.
Comment: Not observed at significant frequency in large population cohorts (gnomAD); In silico analysis supports that this missense variant has a deleterious effect on protein structure/function; Has not been previously published as pathogenic or benign to our knowledge

NM_004366.6(CLCN2):c.1584T>G (p.Ile528Met)

Gene: CLCN2 (chloride voltage-gated channel 2; minus strand). Cytogenetic location: 3q27.1.
Variant type: single nucleotide variant.
Coding change: c.1584T>G on transcript NM_004366.6 (MANE Select); coding-DNA position 1584, T replaced by G.
Protein change: p.Ile528Met; replaces isoleucine 528 with methionine.
Molecular consequence: missense variant.
Genome position (GRCh38, 1-based): chr3:184,354,238, A>C on the plus strand (T>G on the coding strand, the complement: CLCN2 is on the minus strand). VCF-style: chr3-184354238-A-C. GRCh37 (hg19) VCF-style: chr3-184072026-A-C.
Other names: c.1533T>G, p.Ile511Met (NM_001171087.3); c.1452T>G, p.Ile484Met (NM_001171088.3); c.1584T>G, p.Ile528Met (NM_001171089.3); short protein forms I484M, I511M, I528M.
Identifiers: ClinVar variation 3359420 (VCV003359420.1).
Genomic context (GRCh38, chr3:184,354,238, plus strand): 5'-CAGACTCTGGGCGACAGCGTTGGCCAGGATGACGGCGATCATGACAGGCAGGATGTGGGC[A>C]ATCTGGCCTGTGAGCTCGAACACGATCACAGCCGTGGACACTGTGTGTGTCACCGCTCCT-3'
Protein context (NP_004357.3, residues 518-538): AVIVFELTGQ[Ile528Met]AHILPVMIAV